The following is an entry in ClinVar:

ClinVar aggregate classification (germline): Uncertain significance. Review status: criteria provided, single submitter (1 of 4 stars). 2 submissions from 2 submitters: Uncertain significance (1). 1 of the submissions does not count toward it. Last evaluated 2020-01-24.

Conditions:
KBG syndrome (KBGS). Also called: ANKRD11-Related KBG Syndrome. Identifiers: Orphanet 2332, MedGen C0220687, MONDO:0007846, OMIM 148050.
ANKRD11-related disorder. Also called: ANKRD11-related condition.

Submissions (2):

Baylor Genetics
Classification: Uncertain significance for KBG syndrome. Last evaluated: 2020-01-24. Review status: criteria provided, single submitter. Criteria: ACMG Guidelines, 2015. Collection method: clinical testing. Allele origin: unknown. Affected: yes.
Comment: This variant was determined to be of uncertain significance according to ACMG Guidelines, 2015 [PMID:25741868].

PreventionGenetics, part of Exact Sciences
Classification: Uncertain significance for ANKRD11-related condition. Last evaluated: 2024-06-08. Review status: no assertion criteria provided. Collection method: clinical testing. Allele origin: germline. Not counted in ClinVar's aggregate classification.
Comment: The ANKRD11 c.6224C>G variant is predicted to result in the amino acid substitution p.Ala2075Gly. To our knowledge, this variant has not been reported in the literature or in a large population database, indicating this variant is rare. At this time, the clinical significance of this variant is uncertain due to the absence of conclusive functional and genetic evidence.

NM_013275.6(ANKRD11):c.6224C>G (p.Ala2075Gly)

Gene: ANKRD11 (ankyrin repeat domain 11; minus strand). Cytogenetic location: 16q24.3.
Variant type: single nucleotide variant.
Coding change: c.6224C>G on transcript NM_013275.6 (MANE Select); coding-DNA position 6224, C replaced by G.
Protein change: p.Ala2075Gly; replaces alanine 2075 with glycine.
Molecular consequence: missense variant.
Genome position (GRCh38, 1-based): chr16:89,280,318, G>C on the plus strand (C>G on the coding strand, the complement: ANKRD11 is on the minus strand). VCF-style: chr16-89280318-G-C. GRCh37 (hg19) VCF-style: chr16-89346726-G-C.
Other names: c.6224C>G, p.Ala2075Gly (NM_001256182.2, NM_001256183.2); short protein forms A2075G.
Identifiers: ClinVar variation 1029219 (VCV001029219.2), dbSNP rs2034085077, ClinGen allele CA397151645.